The following is an entry in ClinVar:

ClinVar aggregate classification (germline): Uncertain significance (1 of 4 stars; one submission).

Conditions:
Familial adenomatous polyposis 1 (FAP1). Also called: POLYPOSIS, ADENOMATOUS INTESTINAL; FAMILIAL ADENOMATOUS POLYPOSIS 1, ATTENUATED. Identifiers: MedGen C2713442, MONDO:0021056, OMIM 175100. Disease mechanism: loss of function.

Allele frequency attached by ClinVar (database versions not stated): gnomAD exomes below 0.00001.
gnomAD v4.1: 1 of 1,614,064 alleles (0.000062%); highest among the groups gnomAD compares: Non-Finnish European, 0.000085%; no homozygotes.

Submission:

Labcorp Genetics (formerly Invitae), Labcorp
Classification: Uncertain significance for Familial adenomatous polyposis 1. Last evaluated: 2022-12-31. Review status: criteria provided, single submitter. Criteria: Invitae Variant Classification Sherloc (09022015). Collection method: clinical testing. Allele origin: germline.
Comment: This sequence change replaces valine, which is neutral and non-polar, with leucine, which is neutral and non-polar, at codon 2748 of the APC protein (p.Val2748Leu). This variant is not present in population databases (gnomAD no frequency). This variant has not been reported in the literature in individuals affected with APC-related conditions. Advanced modeling of protein sequence and biophysical properties (such as structural, functional, and spatial information, amino acid conservation, physicochemical variation, residue mobility, and thermodynamic stability) performed at Invitae indicates that this missense variant is not expected to disrupt APC protein function. In summary, the available evidence is currently insufficient to determine the role of this variant in disease. Therefore, it has been classified as a Variant of Uncertain Significance.

NM_000038.6(APC):c.8242G>T (p.Val2748Leu)

Gene: APC (APC regulator of Wnt signaling pathway; plus strand). Cytogenetic location: 5q22.2.
Variant type: single nucleotide variant.
Coding change: c.8242G>T on transcript NM_000038.6 (MANE Select); coding-DNA position 8242, G replaced by T.
Protein change: p.Val2748Leu; replaces valine 2748 with leucine.
Molecular consequence: missense variant.
Genome position (GRCh38, 1-based): chr5:112,843,836, G>T. VCF-style: chr5-112843836-G-T. GRCh37 (hg19) VCF-style: chr5-112179533-G-T.
Other names: c.8242G>T, p.Val2748Leu (NM_001127510.3, NM_001354895.2, NM_001407450.1); c.8188G>T, p.Val2730Leu (NM_001127511.3); c.8296G>T, p.Val2766Leu (NM_001354896.2, NM_001407447.1, NM_001407448.1 and 1 more transcripts); c.8272G>T, p.Val2758Leu (NM_001354897.2); c.8167G>T, p.Val2723Leu (NM_001354898.2); c.8158G>T, p.Val2720Leu (NM_001354899.2); c.8119G>T, p.Val2707Leu (NM_001354900.2); c.8065G>T, p.Val2689Leu (NM_001354901.2, NM_001407453.1); and 11 more; short protein forms V2364L, V2465L, V2619L, V2741L, V2776L, V2588L, V2622L, V2720L.
Identifiers: ClinVar variation 2107310 (VCV002107310.4), dbSNP rs2150001686, ClinGen allele CA16039218.